The following is an entry in ClinVar:

ClinVar aggregate classification (germline): Uncertain significance (1 of 4 stars; one submission).

Conditions:
H syndrome. Also called: Histiocytosis with joint contractures and sensorineural deafness; Pigmented hypertrichosis and insulin-dependent diabetes mellitus; Asrar Facharzt Haque syndrome; FAISALABAD HISTIOCYTOSIS; HISTIOCYTOSIS AND LYMPHADENOPATHY WITH OR WITHOUT CUTANEOUS, CARDIAC, AND/OR ENDOCRINE FEATURES, JOINT CONTRACTURES, AND/OR DEAFNESS; HYPERPIGMENTATION, CUTANEOUS, WITH HYPERTRICHOSIS, HEPATOSPLENOMEGALY, HEART ANOMALIES, AND HYPOGONADISM WITH OR WITHOUT HEARING LOSS. Identifiers: Orphanet 168569, MedGen C1864445, MONDO:0011273, OMIM 602782.

Submission:

Labcorp Genetics (formerly Invitae), Labcorp
Classification: Uncertain significance for H syndrome. Last evaluated: 2022-03-19. Review status: criteria provided, single submitter. Criteria: Invitae Variant Classification Sherloc (09022015). Collection method: clinical testing. Allele origin: germline.
Comment: This variant has not been reported in the literature in individuals affected with SLC29A3-related conditions. This variant is not present in population databases (gnomAD no frequency). This sequence change replaces methionine, which is neutral and non-polar, with isoleucine, which is neutral and non-polar, at codon 207 of the SLC29A3 protein (p.Met207Ile). Algorithms developed to predict the effect of missense changes on protein structure and function (SIFT, PolyPhen-2, Align-GVGD) all suggest that this variant is likely to be tolerated. In summary, the available evidence is currently insufficient to determine the role of this variant in disease. Therefore, it has been classified as a Variant of Uncertain Significance.

NM_018344.6(SLC29A3):c.621G>C (p.Met207Ile)

Gene: SLC29A3 (solute carrier family 29 member 3; plus strand). Cytogenetic location: 10q22.1.
Variant type: single nucleotide variant.
Coding change: c.621G>C on transcript NM_018344.6 (MANE Select); coding-DNA position 621, G replaced by C.
Protein change: p.Met207Ile; replaces methionine 207 with isoleucine.
Molecular consequence: missense variant. On other transcripts: non-coding transcript variant (2).
Genome position (GRCh38, 1-based): chr10:71,356,091, G>C. VCF-style: chr10-71356091-G-C. GRCh37 (hg19) VCF-style: chr10-73115848-G-C.
Other names: c.621G>C, p.Met207Ile (NM_001174098.2); c.387G>C, p.Met129Ile (NM_001363518.2); short protein forms M129I, M207I.
Identifiers: ClinVar variation 1356887 (VCV001356887.8), dbSNP rs2131844237, ClinGen allele CA377111130.